The following is an entry in ClinVar:

ClinVar aggregate classification (germline): Uncertain significance. Review status: criteria provided, multiple submitters, no conflicts (2 of 4 stars). 2 submissions from 2 submitters: Uncertain significance (2). Last evaluated 2025-08-08.

Conditions:
Inborn genetic diseases. Identifiers: MedGen C0950123, MeSH D030342.
Charcot-Marie-Tooth disease type 4. Also called: Charcot-Marie-Tooth disease, type IV; Charcot-Marie-Tooth, Type 4. Identifiers: Orphanet 64749, MedGen C4082197, MONDO:0018995.

Allele frequency attached by ClinVar (database versions not stated): gnomAD 0.00002; gnomAD exomes 0.00003 and 0.00004; ExAC 0.00004; TOPMed 0.00011.
gnomAD v4.1: 63 of 1,576,032 alleles (0.004%); highest among the groups gnomAD compares: Middle Eastern, 0.017%; no homozygotes.

Submissions (2):

Ambry Genetics
Classification: Uncertain significance for Inborn genetic diseases. Last evaluated: 2025-08-08. Review status: criteria provided, single submitter. Criteria: Ambry Variant Classification Scheme 2023. Collection method: clinical testing. Allele origin: germline.

Labcorp Genetics (formerly Invitae), Labcorp
Classification: Uncertain significance for Charcot-Marie-Tooth disease type 4. Last evaluated: 2022-10-26. Review status: criteria provided, single submitter. Criteria: Invitae Variant Classification Sherloc (09022015). Collection method: clinical testing. Allele origin: germline.
Comment: This sequence change replaces arginine, which is basic and polar, with cysteine, which is neutral and slightly polar, at codon 187 of the PRX protein (p.Arg187Cys). The frequency data for this variant in the population databases is considered unreliable, as metrics indicate poor data quality at this position in the gnomAD database. This variant has not been reported in the literature in individuals affected with PRX-related conditions. ClinVar contains an entry for this variant (Variation ID: 572807). Algorithms developed to predict the effect of missense changes on protein structure and function (SIFT, PolyPhen-2, Align-GVGD) all suggest that this variant is likely to be disruptive. In summary, the available evidence is currently insufficient to determine the role of this variant in disease. Therefore, it has been classified as a Variant of Uncertain Significance.

NM_181882.3(PRX):c.559C>T (p.Arg187Cys)

Gene: PRX (periaxin; minus strand). Cytogenetic location: 19q13.2.
Variant type: single nucleotide variant.
Coding change: c.559C>T on transcript NM_181882.3 (MANE Select); coding-DNA position 559, C replaced by T.
Protein change: p.Arg187Cys; replaces arginine 187 with cysteine.
Molecular consequence: missense variant. On other transcripts: 3 prime UTR variant (1).
Genome position (GRCh38, 1-based): chr19:40,397,793, G>A on the plus strand (C>T on the coding strand, the complement: PRX is on the minus strand). VCF-style: chr19-40397793-G-A. GRCh37 (hg19) VCF-style: chr19-40903700-G-A.
Other names: c.*764C>T (NM_020956.2); short protein forms R187C.
Identifiers: ClinVar variation 572807 (VCV000572807.10), dbSNP rs768929130, ClinGen allele CA9444429.